The following is an entry in ClinVar:

ClinVar aggregate classification (germline): Uncertain significance (1 of 4 stars; one submission).

Conditions:
Mucopolysaccharidosis, MPS-III-B (MPS3B). Also called: N-ACETYL-ALPHA-D-GLUCOSAMINIDASE DEFICIENCY; NAGLU DEFICIENCY; SANFILIPPO SYNDROME B; MPS III B; MPS IIIB (Sanfilippo Syndrome Type B); MUCOPOLYSACCHARIDOSIS, TYPE IIIB. Identifiers: Orphanet 79270, MedGen C0086648, MONDO:0009656, OMIM 252920.
Charcot-Marie-Tooth disease axonal type 2V. Also called: CHARCOT-MARIE-TOOTH NEUROPATHY, TYPE 2V; CHARCOT-MARIE-TOOTH DISEASE, AXONAL, AUTOSOMAL DOMINANT, TYPE 2V. Identifiers: Orphanet 447964, MedGen C5569050, MONDO:0014665, OMIM 616491.

Submission:

Labcorp Genetics (formerly Invitae), Labcorp
Classification: Uncertain significance for Charcot-Marie-Tooth disease axonal type 2V; Mucopolysaccharidosis, MPS-III-B. Last evaluated: 2024-10-16. Review status: criteria provided, single submitter. Criteria: Invitae Variant Classification Sherloc (09022015). Collection method: clinical testing. Allele origin: germline.
Comment: This sequence change replaces glutamic acid, which is acidic and polar, with lysine, which is basic and polar, at codon 316 of the NAGLU protein (p.Glu316Lys). This variant is not present in population databases (gnomAD no frequency). This variant has not been reported in the literature in individuals affected with NAGLU-related conditions. ClinVar contains an entry for this variant (Variation ID: 1425197). Invitae Evidence Modeling of protein sequence and biophysical properties (such as structural, functional, and spatial information, amino acid conservation, physicochemical variation, residue mobility, and thermodynamic stability) indicates that this missense variant is expected to disrupt NAGLU protein function with a positive predictive value of 95%. In summary, the available evidence is currently insufficient to determine the role of this variant in disease. Therefore, it has been classified as a Variant of Uncertain Significance.

NM_000263.4(NAGLU):c.946G>A (p.Glu316Lys)

Gene: NAGLU (N-acetyl-alpha-glucosaminidase; plus strand). Cytogenetic location: 17q21.2.
Variant type: single nucleotide variant.
Coding change: c.946G>A on transcript NM_000263.4 (MANE Select); coding-DNA position 946, G replaced by A.
Protein change: p.Glu316Lys; replaces glutamic acid 316 with lysine.
Molecular consequence: missense variant.
Genome position (GRCh38, 1-based): chr17:42,541,131, G>A. VCF-style: chr17-42541131-G-A. GRCh37 (hg19) VCF-style: chr17-40693149-G-A.
Other names: short protein forms E316K.
Identifiers: ClinVar variation 1425197 (VCV001425197.8), dbSNP rs2143099484, ClinGen allele CA399600268.